The following is an entry in ClinVar:

ClinVar aggregate classification (germline): Uncertain significance (1 of 4 stars; one submission).

Conditions:
Inflammatory bowel disease 28. Also called: Inflammatory bowel disease 28, early onset, autosomal recessive. Identifiers: Orphanet 238569, MedGen C2751053, MONDO:0013153, OMIM 613148.

Allele frequency attached by ClinVar (database versions not stated): TOPMed 0.00001; gnomAD 0.00002.

Submission:

Labcorp Genetics (formerly Invitae), Labcorp
Classification: Uncertain significance for Inflammatory bowel disease 28. Last evaluated: 2024-02-17. Review status: criteria provided, single submitter. Criteria: Invitae Variant Classification Sherloc (09022015). Collection method: clinical testing. Allele origin: germline.
Comment: This sequence change replaces asparagine, which is neutral and polar, with aspartic acid, which is acidic and polar, at codon 235 of the IL10RA protein (p.Asn235Asp). This variant is present in population databases (no rsID available, gnomAD 0.002%). This variant has not been reported in the literature in individuals affected with IL10RA-related conditions. ClinVar contains an entry for this variant (Variation ID: 2418557). Advanced modeling of protein sequence and biophysical properties (such as structural, functional, and spatial information, amino acid conservation, physicochemical variation, residue mobility, and thermodynamic stability) has been performed at Invitae for this missense variant, however the output from this modeling did not meet the statistical confidence thresholds required to predict the impact of this variant on IL10RA protein function. In summary, the available evidence is currently insufficient to determine the role of this variant in disease. Therefore, it has been classified as a Variant of Uncertain Significance.

NM_001558.4(IL10RA):c.703A>G (p.Asn235Asp)

Gene: IL10RA (interleukin 10 receptor subunit alpha; plus strand). Cytogenetic location: 11q23.3.
Variant type: single nucleotide variant.
Coding change: c.703A>G on transcript NM_001558.4 (MANE Select); coding-DNA position 703, A replaced by G.
Protein change: p.Asn235Asp; replaces asparagine 235 with aspartic acid.
Molecular consequence: missense variant. On other transcripts: non-coding transcript variant (1).
Genome position (GRCh38, 1-based): chr11:117,995,603, A>G. VCF-style: chr11-117995603-A-G. GRCh37 (hg19) VCF-style: chr11-117866318-A-G.
Other names: short protein forms N235D.
Identifiers: ClinVar variation 2418557 (VCV002418557.4), dbSNP rs1305203075, ClinGen allele CA382776645.